The following is an entry in ClinVar:

NM_006514.4(SCN10A):c.793C>A (p.Leu265Met)

Gene: SCN10A (sodium voltage-gated channel alpha subunit 10; minus strand). Cytogenetic location: 3p22.2.
Variant type: single nucleotide variant.
Coding change: c.793C>A on transcript NM_006514.4 (MANE Select); coding-DNA position 793, C replaced by A.
Protein change: p.Leu265Met; replaces leucine 265 with methionine.
Molecular consequence: missense variant.
Genome position (GRCh38, 1-based): chr3:38,761,282, G>T on the plus strand (C>A on the coding strand, the complement: SCN10A is on the minus strand). VCF-style: chr3-38761282-G-T. GRCh37 (hg19) VCF-style: chr3-38802773-G-T.
Other names: c.793C>A, p.Leu265Met (NM_001293306.2, NM_001293307.2); short protein forms L265M.
Identifiers: ClinVar variation 1761310 (VCV001761310.2), dbSNP rs1372213955, ClinGen allele CA352171662.
Genomic context (GRCh38, chr3:38,761,282, plus strand): 5'-CATTGACAGCCATGTCATTCTTGACACATTTATTTTTGAGGTTGCCCTTGAAGAGTTGCA[G>T]CCCCACCAAGGCAAAAACACTTAGGCAGAAGATGGTGAGGATGGTCACATCAGCCAGTTT-3'
Protein context (NP_006505.4, residues 255-275): FCLSVFALVG[Leu265Met]QLFKGNLKNK

ClinVar aggregate classification (germline): Uncertain significance (1 of 4 stars; one submission).

Conditions:
Cardiovascular phenotype. Identifiers: MedGen CN230736.

Submission:

Ambry Genetics
Classification: Uncertain significance for Cardiovascular phenotype. Last evaluated: 2022-02-02. Review status: criteria provided, single submitter. Criteria: Ambry Variant Classification Scheme 2023. Collection method: clinical testing. Allele origin: germline.
Comment: The p.L265M variant (also known as c.793C>A), located in coding exon 6 of the SCN10A gene, results from a C to A substitution at nucleotide position 793. The leucine at codon 265 is replaced by methionine, an amino acid with highly similar properties. This amino acid position is conserved. In addition, the in silico prediction for this alteration is inconclusive. Since supporting evidence is limited at this time, the clinical significance of this alteration remains unclear.